The following is an entry in ClinVar:

NM_001197104.2(KMT2A):c.6865T>C (p.Ser2289Pro)

Gene: KMT2A (lysine methyltransferase 2A; plus strand). Cytogenetic location: 11q23.3.
Variant type: single nucleotide variant.
Coding change: c.6865T>C on transcript NM_001197104.2 (MANE Select); coding-DNA position 6865, T replaced by C.
Protein change: p.Ser2289Pro; replaces serine 2289 with proline.
Molecular consequence: missense variant.
Genome position (GRCh38, 1-based): chr11:118,502,757, T>C. VCF-style: chr11-118502757-T-C. GRCh37 (hg19) VCF-style: chr11-118373472-T-C.
Other names: c.6955T>C, p.Ser2319Pro (NM_001412597.1); c.6856T>C, p.Ser2286Pro (NM_005933.4); short protein forms S2289P, S2286P, S2319P.
Identifiers: ClinVar variation 1961263 (VCV001961263.6), dbSNP rs1555046193, ClinGen allele CA382803279.

ClinVar aggregate classification (germline): Uncertain significance. Review status: criteria provided, multiple submitters, no conflicts (2 of 4 stars). 2 submissions from 2 submitters: Uncertain significance (2). Last evaluated 2024-05-20.

Allele frequency attached by ClinVar (database versions not stated): gnomAD exomes below 0.00001.
gnomAD v4.1: 1 of 1,614,140 alleles (0.000062%); highest among the groups gnomAD compares: Admixed American, 0.0017%; no homozygotes.

Submissions (2):

Greenwood Genetic Center Diagnostic Laboratories, Greenwood Genetic Center
Classification: Uncertain significance. Last evaluated: 2024-05-20. Review status: criteria provided, single submitter. Criteria: ACMG Guidelines, 2015. Collection method: clinical testing. Allele origin: germline. Affected: yes.
Comment: PM2, BP4, PP2

Labcorp Genetics (formerly Invitae), Labcorp
Classification: Uncertain significance. Last evaluated: 2022-09-28. Review status: criteria provided, single submitter. Criteria: Invitae Variant Classification Sherloc (09022015). Collection method: clinical testing. Allele origin: germline.
Comment: In summary, the available evidence is currently insufficient to determine the role of this variant in disease. Therefore, it has been classified as a Variant of Uncertain Significance. Advanced modeling of protein sequence and biophysical properties (such as structural, functional, and spatial information, amino acid conservation, physicochemical variation, residue mobility, and thermodynamic stability) performed at Invitae indicates that this missense variant is not expected to disrupt KMT2A protein function. This variant has not been reported in the literature in individuals affected with KMT2A-related conditions. This variant is present in population databases (no rsID available, gnomAD 0.003%). This sequence change replaces serine, which is neutral and polar, with proline, which is neutral and non-polar, at codon 2289 of the KMT2A protein (p.Ser2289Pro).